The following is an entry in ClinVar:

ClinVar aggregate classification (germline): Uncertain significance (1 of 4 stars; one submission).

Conditions:
Ataxia-telangiectasia syndrome (AT). Also called: Ataxia-telangiectasia, complementation group D; AT, COMPLEMENTATION GROUP C; ATAXIA-TELANGIECTASIA, COMPLEMENTATION GROUP A; ATAXIA-TELANGIECTASIA, FRESNO VARIANT; Ataxia-telangiectasia; Ataxia telangiectasia (A-T). Identifiers: Orphanet 100, MedGen C0004135, MONDO:0008840, OMIM 208900.

Submission:

Labcorp Genetics (formerly Invitae), Labcorp
Classification: Uncertain significance for Ataxia-telangiectasia syndrome. Last evaluated: 2019-06-06. Review status: criteria provided, single submitter. Criteria: Invitae Variant Classification Sherloc (09022015). Collection method: clinical testing. Allele origin: germline.
Comment: Algorithms developed to predict the effect of missense changes on protein structure and function (SIFT, PolyPhen-2, Align-GVGD) all suggest that this variant is likely to be disruptive, but these predictions have not been confirmed by published functional studies and their clinical significance is uncertain. In summary, the available evidence is currently insufficient to determine the role of this variant in disease. Therefore, it has been classified as a Variant of Uncertain Significance. Algorithms developed to predict the effect of sequence changes on RNA splicing suggest that this variant may disrupt the consensus splice site, but this prediction has not been confirmed by published transcriptional studies. This variant has not been reported in the literature in individuals with ATM-related conditions. This variant is not present in population databases (ExAC no frequency). This sequence change replaces valine with leucine at codon 2757 of the ATM protein (p.Val2757Leu). The valine residue is highly conserved and there is a small physicochemical difference between valine and leucine.

NM_000051.4(ATM):c.8269G>T (p.Val2757Leu)

Genes: ATM (ATM serine/threonine kinase; plus strand), C11orf65 (chromosome 11 open reading frame 65; minus strand). Cytogenetic location: 11q22.3.
Variant type: single nucleotide variant.
Coding change: c.8269G>T on transcript NM_000051.4 (MANE Select); coding-DNA position 8269, G replaced by T.
Protein change: p.Val2757Leu; replaces valine 2757 with leucine.
Molecular consequence: missense variant. On other transcripts: intron variant (2).
Genome position (GRCh38, 1-based): chr11:108,343,222, G>T. VCF-style: chr11-108343222-G-T. GRCh37 (hg19) VCF-style: chr11-108213949-G-T.
Other names: c.641-34151C>A (NM_001330368.2); c.695-7930C>A (NM_001351110.2); c.8269G>T, p.Val2757Leu (NM_001351834.2); short protein forms V2757L.
Identifiers: ClinVar variation 952967 (VCV000952967.10), dbSNP rs761625350, ClinGen allele CA382516286.